The following is an entry in ClinVar:

ClinVar aggregate classification (germline): Benign. Review status: criteria provided, multiple submitters, no conflicts (2 of 4 stars). 2 submissions from 2 submitters: Benign (2). Last evaluated 2018-06-16.

Allele frequency attached by ClinVar (database versions not stated): gnomAD exomes 0.32988 and 0.34866; gnomAD 0.35154 and 0.35531; ESP Exome Variant Server 0.35253; ExAC 0.35458; TOPMed 0.35783; 1000 Genomes Project 30x 0.42395; 1000 Genomes Project 0.42512.

Submissions (2):

GeneDx
Classification: Benign. Last evaluated: 2018-06-16. Review status: criteria provided, single submitter. Criteria: GeneDx Variant Classification (06012015). Collection method: clinical testing. Allele origin: germline. Affected: yes.
Comment: This variant is considered likely benign or benign based on one or more of the following criteria: it is a conservative change, it occurs at a poorly conserved position in the protein, it is predicted to be benign by multiple in silico algorithms, and/or has population frequency not consistent with disease.

Breakthrough Genomics
Classification: Benign. Review status: criteria provided, single submitter. Criteria: ACMG Guidelines, 2015. Collection method: not provided. Allele origin: germline. Inheritance: Autosomal recessive inheritance. Affected: yes.

NM_015631.6(TCTN3):c.888+46C>T

Gene: TCTN3 (tectonic family member 3; minus strand). Cytogenetic location: 10q24.1.
Variant type: single nucleotide variant.
Coding change: c.888+46C>T on transcript NM_015631.6 (MANE Select); 46 bases into the intron after coding-DNA position 888, C replaced by T.
Molecular consequence: intron variant.
Genome position (GRCh38, 1-based): chr10:95,686,449, G>A on the plus strand (C>T on the coding strand, the complement: TCTN3 is on the minus strand). VCF-style: chr10-95686449-G-A. GRCh37 (hg19) VCF-style: chr10-97446206-G-A.
Other names: c.651+46C>T (NM_001143973.2).
Identifiers: ClinVar variation 674959 (VCV000674959.2), dbSNP rs2297788, ClinGen allele CA5621019.
Genomic context (GRCh38, chr10:95,686,449, plus strand): 5'-TCACGCTTACATTTATCTTTCAACAGTACAACTTAGACTAAAATTGCCTCAGATGCAGAG[G>A]AGCCAAATATTCTTTTTCTTTTTTCCTGGTACAACAGCATCATACCTCCATATTCTGTGG-3'